The following is an entry in ClinVar:

ClinVar aggregate classification (germline): Conflicting classifications of pathogenicity. Review status: criteria provided, conflicting classifications (1 of 4 stars). 10 submissions from 6 submitters: Uncertain significance (5); Benign (2); Likely benign (3). Last evaluated 2026-08-01.

Conditions:
Cardiovascular phenotype. Identifiers: MedGen CN230736.
Autosomal recessive limb-girdle muscular dystrophy type 2J (LGMDR10). Also called: MUSCULAR DYSTROPHY, LIMB-GIRDLE, AUTOSOMAL RECESSIVE 10; Limb-girdle muscular dystrophy, type 2J. Identifiers: Orphanet 140922, MedGen C1837342, MONDO:0012127, OMIM 608807.
Dilated cardiomyopathy 1G (CMD1G). Identifiers: Orphanet 154, MedGen C1858763, MONDO:0011400, OMIM 604145.
Early-onset myopathy with fatal cardiomyopathy (CMYO5). Also called: CONGENITAL MYOPATHY 5 WITH CARDIOMYOPATHY; Salih Myopathy. Identifiers: Orphanet 289377, MedGen C2673677, MONDO:0012714, OMIM 611705. Disease mechanism: loss of function.
Myopathy, myofibrillar, 9, with early respiratory failure (MFM9). Also called: Myopathy, distal, with early respiratory failure, autosomal dominant; Hereditary myopathy with early respiratory failure; EDSTROM MYOPATHY; MYOPATHY, PROXIMAL, WITH EARLY RESPIRATORY MUSCLE INVOLVEMENT. Identifiers: Orphanet 178464, Orphanet 34521, MedGen C1863599, MONDO:0011362, OMIM 603689.
Tibial muscular dystrophy (TMD). Also called: Tibial muscular dystrophy, tardive; Udd Distal Myopathy – Tibial Muscular Dystrophy; UDD MYOPATHY. Identifiers: Orphanet 609, MedGen C1838244, MONDO:0010870, OMIM 600334.

Allele frequency attached by ClinVar (database versions not stated): gnomAD 0.00006 and 0.00001; TOPMed 0.00004; 1000 Genomes Project 30x 0.00094; 1000 Genomes Project 0.00080; gnomAD exomes 0.00027; ExAC 0.00069.
gnomAD v4.1: 177 of 1,571,422 alleles (0.011%); highest among the groups gnomAD compares: South Asian, 0.19%; 2 homozygotes.

Submissions (10):

CeGaT Center for Human Genetics Tuebingen
Classification: Likely benign. Last evaluated: 2026-08-01. Review status: criteria provided, single submitter. Criteria: CeGaT Center For Human Genetics Tuebingen Variant Classification Criteria Version 2. Collection method: clinical testing. Allele origin: germline. Affected: yes. Observed: 1 variant allele.
Comment: TTN: BS2

Labcorp Genetics (formerly Invitae), Labcorp
Classification: Likely benign for Dilated cardiomyopathy 1G; Autosomal recessive limb-girdle muscular dystrophy type 2J. Last evaluated: 2025-12-31. Review status: criteria provided, single submitter. Criteria: Invitae Variant Classification Sherloc (09022015). Collection method: clinical testing. Allele origin: germline.

Ambry Genetics
Classification: Likely benign for Cardiovascular phenotype. Last evaluated: 2020-03-04. Review status: criteria provided, single submitter. Criteria: Ambry Variant Classification Scheme 2023. Collection method: clinical testing. Allele origin: germline.

Illumina Laboratory Services, Illumina
Classification: Benign for Myopathy, myofibrillar, 9, with early respiratory failure. Last evaluated: 2018-01-12. Review status: criteria provided, single submitter. Criteria: ICSL Variant Classification Criteria 13 December 2019. Collection method: clinical testing. Allele origin: germline.
Comment: This variant was observed in the ICSL laboratory as part of a predisposition screen in an ostensibly healthy population. It had not been previously curated by ICSL or reported in the Human Gene Mutation Database (HGMD: prior to June 1st, 2018), and was therefore a candidate for classification through an automated scoring system. Utilizing variant allele frequency, disease prevalence and penetrance estimates, and inheritance mode, an automated score was calculated to assess if this variant is too frequent to cause the disease. Based on the score and internal cut-off values, a variant classified as benign is not then subjected to further curation. The score for this variant resulted in a classification of benign for this disease.

Illumina Laboratory Services, Illumina
Classification: Uncertain significance for Dilated cardiomyopathy 1G. Last evaluated: 2018-01-12. Review status: criteria provided, single submitter. Criteria: ICSL Variant Classification Criteria 13 December 2019. Collection method: clinical testing. Allele origin: germline.

Illumina Laboratory Services, Illumina
Classification: Uncertain significance for Autosomal recessive limb-girdle muscular dystrophy type 2J. Last evaluated: 2018-01-12. Review status: criteria provided, single submitter. Criteria: ICSL Variant Classification Criteria 13 December 2019. Collection method: clinical testing. Allele origin: germline.

Illumina Laboratory Services, Illumina
Classification: Uncertain significance for Early-onset myopathy with fatal cardiomyopathy. Last evaluated: 2018-01-12. Review status: criteria provided, single submitter. Criteria: ICSL Variant Classification Criteria 13 December 2019. Collection method: clinical testing. Allele origin: germline.

Illumina Laboratory Services, Illumina
Classification: Benign for Tibial muscular dystrophy. Last evaluated: 2018-01-12. Review status: criteria provided, single submitter. Criteria: ICSL Variant Classification Criteria 13 December 2019. Collection method: clinical testing. Allele origin: germline.
Comment: the same text as in the submission from Illumina Laboratory Services, Illumina above.

Eurofins Ntd Llc (ga)
Classification: Uncertain significance. Last evaluated: 2017-05-11. Review status: criteria provided, single submitter. Criteria: EGL Classification Definitions 2015. Collection method: clinical testing. Allele origin: germline. Observed: 2 variant alleles, 2 heterozygotes.

Laboratory for Molecular Medicine, Mass General Brigham Personalized Medicine
Classification: Uncertain significance. Last evaluated: 2014-04-10. Review status: criteria provided, single submitter. Criteria: LMM Criteria. Collection method: clinical testing. Allele origin: germline. Observed: 2 variant alleles.
Comment: Co mputational prediction tools and conservation analysis do not provide strong sup port for or against an impact to the protein. Additional information is needed t o fully assess the clinical significance of the Gly30013Val variant.

NM_001267550.2(TTN):c.97742G>T (p.Gly32581Val)

Genes: TTN (titin; minus strand), TTN-AS1 (TTN antisense RNA 1; plus strand). Cytogenetic location: 2q31.2.
Variant type: single nucleotide variant.
Coding change: c.97742G>T on transcript NM_001267550.2 (MANE Select); coding-DNA position 97742, G replaced by T.
Protein change: p.Gly32581Val; replaces glycine 32581 with valine.
Molecular consequence: missense variant.
Genome position (GRCh38, 1-based): chr2:178,541,335, C>A on the plus strand (G>T on the coding strand, the complement: TTN is on the minus strand). VCF-style: chr2-178541335-C-A. GRCh37 (hg19) VCF-style: chr2-179406062-C-A.
Other names: c.90038G>T, p.Gly30013Val (NM_133378.4); c.92819G>T, p.Gly30940Val (NM_001256850.1); c.70547G>T, p.Gly23516Val (NM_003319.4); c.70922G>T, p.Gly23641Val (NM_133432.3); c.71123G>T, p.Gly23708Val (NM_133437.4); short protein forms G32581V, G30013V, G30940V, G23516V, G23641V, G23708V.
Identifiers: ClinVar variation 47587 (VCV000047587.26), dbSNP rs397517771, ClinGen allele CA141439.